The following is an entry in ClinVar:

NM_000478.6(ALPL):c.463A>T (p.Lys155Ter)

Gene: ALPL (alkaline phosphatase, biomineralization associated; plus strand). Cytogenetic location: 1p36.12.
Variant type: single nucleotide variant.
Coding change: c.463A>T on transcript NM_000478.6 (MANE Select); coding-DNA position 463, A replaced by T.
Protein change: p.Lys155Ter; replaces lysine 155 with a stop codon.
Molecular consequence: nonsense.
Genome position (GRCh38, 1-based): chr1:21,563,275, A>T. VCF-style: chr1-21563275-A-T. GRCh37 (hg19) VCF-style: chr1-21889768-A-T.
Other names: c.298A>T, p.Lys100Ter (NM_001127501.4); c.232A>T, p.Lys78Ter (NM_001177520.3); c.463A>T, p.Lys155Ter (NM_001369803.2, NM_001369804.2, NM_001369805.2); short protein forms K155*, K78*, K100*.
Identifiers: ClinVar variation 3727633 (VCV003727633.2).

ClinVar aggregate classification (germline): Pathogenic (1 of 4 stars; one submission).

Submission:

Labcorp Genetics (formerly Invitae), Labcorp
Classification: Pathogenic. Last evaluated: 2025-01-29. Review status: criteria provided, single submitter. Criteria: Invitae Variant Classification Sherloc (09022015). Collection method: clinical testing. Allele origin: germline.
Comment: This sequence change creates a premature translational stop signal (p.Lys155*) in the ALPL gene. It is expected to result in an absent or disrupted protein product. Loss-of-function variants in ALPL are known to be pathogenic (PMID: 3174660, 10679946, 32973344, 33814268). This variant is not present in population databases (gnomAD no frequency). This variant has not been reported in the literature in individuals affected with ALPL-related conditions. For these reasons, this variant has been classified as Pathogenic.

Literature cited by the submitters: PubMed 3174660; PubMed 10679946; PubMed 32973344; PubMed 33814268.